The following is an entry in ClinVar:

ClinVar aggregate classification (germline): Pathogenic (1 of 4 stars; one submission).

Submission:

Quest Diagnostics Nichols Institute San Juan Capistrano
Classification: Pathogenic. Last evaluated: 2024-04-15. Review status: criteria provided, single submitter. Criteria: ACMG/ClinGen CNV Guidelines, 2019. Collection method: clinical testing. Allele origin: unknown.
Comment: This deletion encompasses the recurrent 15q11.2q13 type 2 deletion (BP2-BP3; ISCA-37478; Dagli 2021, Driscoll 2023) of the Prader-Willi/Angelman Syndrome region and involves imprinted genes SNRPN (OMIM 182279) and UBE3A (OMIM 601623; CCID:008077). Thus, this copy number variant (CNV) is classified as pathogenic. References: Dagli et al., GeneReviews, [2021 Apr 22]. PMID: 20301323; Driscoll et al., GeneReviews, [2023 Nov 2]. PMID: 20301505

GRCh37/hg19 15q11.2-13.1(chr15:23637603-28644578)x1

Genes: PWAR1 (Prader Willi/Angelman region RNA 1; plus strand), PWAR4 (Prader Willi/Angelman region RNA 4; plus strand), PWAR5 (Prader Willi/Angelman region RNA 5; plus strand), PWAR6 (Prader Willi/Angelman region RNA 6; plus strand), PWARSN (Prader Willi/Angelman region RNA, SNRPN neighbor; plus strand) and 19 more. Cytogenetic location: 15q11.2-13.1.
Variant type: copy number loss.
Change: copy number 1 (one copy instead of two) of chr15:23,637,603-28,644,578 (5.01 Mb, GRCh37 coordinates, 1-based), cytogenetic band 15q11.2-13.1.
Identifiers: ClinVar variation 564161 (VCV000564161.4).